The following is an entry in ClinVar:

ClinVar aggregate classification (germline): Uncertain significance (1 of 4 stars; one submission).

Conditions:
Ehlers-Danlos syndrome, classic type, 1 (EDSCL1). Also called: Ehlers-Danlos Syndrome, Classic Type, COL5A1-Related; EHLERS-DANLOS SYNDROME, GRAVIS TYPE; EHLERS-DANLOS SYNDROME, SEVERE CLASSIC TYPE; Ehlers-Danlos syndrome, type 1; EDS I. Identifiers: MedGen C0268335, MONDO:0019567, OMIM 130000.
Osteogenesis imperfecta type I (OI1). Also called: OI, TYPE I; OSTEOGENESIS IMPERFECTA TARDA; OSTEOGENESIS IMPERFECTA WITH BLUE SCLERAE; Osteogenesis imperfecta type 1; Classic Non-deforming Osteogenesis Imperfecta with Blue Sclerae; Lobstein's Disease. Identifiers: Orphanet 216796, Orphanet 666, MedGen C0023931, MONDO:0008146, OMIM 166200. Disease mechanism: loss of function.

Allele frequency attached by ClinVar (database versions not stated): gnomAD exomes below 0.00001.
gnomAD v4.1: 2 of 1,613,562 alleles (0.00012%); highest among the groups gnomAD compares: Non-Finnish European, 0.00017%; no homozygotes.

Submission:

Labcorp Genetics (formerly Invitae), Labcorp
Classification: Uncertain significance for Osteogenesis imperfecta type I; Ehlers-Danlos syndrome, classic type, 1. Last evaluated: 2022-11-15. Review status: criteria provided, single submitter. Criteria: Invitae Variant Classification Sherloc (09022015). Collection method: clinical testing. Allele origin: germline.
Comment: In summary, the available evidence is currently insufficient to determine the role of this variant in disease. Therefore, it has been classified as a Variant of Uncertain Significance. Advanced modeling of protein sequence and biophysical properties (such as structural, functional, and spatial information, amino acid conservation, physicochemical variation, residue mobility, and thermodynamic stability) has been performed at Invitae for this missense variant, however the output from this modeling did not meet the statistical confidence thresholds required to predict the impact of this variant on COL1A2 protein function. This sequence change replaces leucine, which is neutral and non-polar, with phenylalanine, which is neutral and non-polar, at codon 173 of the COL1A2 protein (p.Leu173Phe). This variant is not present in population databases (gnomAD no frequency). This variant has not been reported in the literature in individuals affected with COL1A2-related conditions.

NM_000089.4(COL1A2):c.517C>T (p.Leu173Phe)

Gene: COL1A2 (collagen type I alpha 2 chain; plus strand). Cytogenetic location: 7q21.3.
Variant type: single nucleotide variant.
Coding change: c.517C>T on transcript NM_000089.4 (MANE Select); coding-DNA position 517, C replaced by T.
Protein change: p.Leu173Phe; replaces leucine 173 with phenylalanine.
Molecular consequence: missense variant.
Genome position (GRCh38, 1-based): chr7:94,405,703, C>T. VCF-style: chr7-94405703-C-T. GRCh37 (hg19) VCF-style: chr7-94035015-C-T.
Other names: short protein forms L173F.
Identifiers: ClinVar variation 2175712 (VCV002175712.4), dbSNP rs2484701493, ClinGen allele CA368219941.